The following is an entry in ClinVar:

ClinVar aggregate classification (germline): Uncertain significance (1 of 4 stars; one submission).

Submission:

Labcorp Genetics (formerly Invitae), Labcorp
Classification: Uncertain significance. Last evaluated: 2022-05-04. Review status: criteria provided, single submitter. Criteria: Invitae Variant Classification Sherloc (09022015). Collection method: clinical testing. Allele origin: germline.
Comment: This variant is not present in population databases (gnomAD no frequency). This sequence change replaces leucine, which is neutral and non-polar, with arginine, which is basic and polar, at codon 114 of the RUSC2 protein (p.Leu114Arg). In summary, the available evidence is currently insufficient to determine the role of this variant in disease. Therefore, it has been classified as a Variant of Uncertain Significance. Algorithms developed to predict the effect of missense changes on protein structure and function are either unavailable or do not agree on the potential impact of this missense change (SIFT: "Tolerated"; PolyPhen-2: "Possibly Damaging"; Align-GVGD: "Class C0"). This variant has not been reported in the literature in individuals affected with RUSC2-related conditions.

NM_014806.5(RUSC2):c.341T>G (p.Leu114Arg)

Gene: RUSC2 (RUN and SH3 domain containing 2; plus strand). Cytogenetic location: 9p13.3.
Variant type: single nucleotide variant.
Coding change: c.341T>G on transcript NM_014806.5 (MANE Select); coding-DNA position 341, T replaced by G.
Protein change: p.Leu114Arg; replaces leucine 114 with arginine.
Molecular consequence: missense variant. On other transcripts: non-coding transcript variant (1), intron variant (1).
Genome position (GRCh38, 1-based): chr9:35,546,862, T>G. VCF-style: chr9-35546862-T-G. GRCh37 (hg19) VCF-style: chr9-35546859-T-G.
Other names: c.341T>G, p.Leu114Arg (NM_001135999.2); c.-620-8198T>G (NM_001330740.2); short protein forms L114R.
Identifiers: ClinVar variation 2125169 (VCV002125169.4), dbSNP rs2490379761, ClinGen allele CA373326731.